The following is an entry in ClinVar:

ClinVar aggregate classification (germline): Pathogenic (1 of 4 stars; one submission).

Submission:

Labcorp Genetics (formerly Invitae), Labcorp
Classification: Pathogenic. Last evaluated: 2023-12-04. Review status: criteria provided, single submitter. Criteria: Invitae Variant Classification Sherloc (09022015). Collection method: clinical testing. Allele origin: germline.
Comment: This sequence change creates a premature translational stop signal (p.Leu2194Argfs*15) in the ZNF469 gene. While this is not anticipated to result in nonsense mediated decay, it is expected to disrupt the last 1732 amino acid(s) of the ZNF469 protein. This variant is not present in population databases (gnomAD no frequency). This variant has not been reported in the literature in individuals affected with ZNF469-related conditions. This variant disrupts a region of the ZNF469 protein in which other variant(s) (p.Pro3556Glnfs*136) have been determined to be pathogenic (PMID: 32671420). This suggests that this is a clinically significant region of the protein, and that variants that disrupt it are likely to be disease-causing. For these reasons, this variant has been classified as Pathogenic.

Literature cited by the submitters: PubMed 32671420.

NM_001367624.2(ZNF469):c.6665del (p.Leu2222fs)

Gene: ZNF469 (zinc finger protein 469; plus strand). Cytogenetic location: 16q24.2.
Variant type: Deletion.
Coding change: c.6665del on transcript NM_001367624.2 (MANE Select); coding-DNA position 6665, one base deleted (T; older notation c.6665delT).
Protein change: p.Leu2222fs; shifts the reading frame from leucine 2222.
Molecular consequence: frameshift variant.
Genome position (GRCh38, 1-based): chr16:88,434,135, T deleted. VCF-style (leftmost placement, unchanged base first): chr16-88434134-CT-C. GRCh37 (hg19) VCF-style: chr16-88500542-CT-C.
Other names: short protein forms L2222fs.
Identifiers: ClinVar variation 2765906 (VCV002765906.3), dbSNP rs2507594138, ClinGen allele CA2697556045.